The following is an entry in ClinVar:

ClinVar aggregate classification (germline): Conflicting classifications of pathogenicity. Review status: criteria provided, conflicting classifications (1 of 4 stars). 4 submissions from 4 submitters: Uncertain significance (2); Likely benign (2). Last evaluated 2025-07-21.

Conditions:
Hereditary breast ovarian cancer syndrome. Also called: Hereditary breast and ovarian cancer syndrome; Hereditary breast and/or ovarian cancer syndrome; BRCA1- and BRCA2-Associated Hereditary Breast and Ovarian Cancer; Hereditary breast and ovarian cancer syndrome (HBOC); Breast and ovarian cancer; Hereditary breast and ovarian cancer. Identifiers: Orphanet 145, MedGen C0677776, MeSH D061325, MONDO:0003582. Disease mechanism: loss of function.
Breast-ovarian cancer, familial, susceptibility to, 2 (BROVCA2). Also called: BRCA2 Hereditary Breast and Ovarian Cancer. Identifiers: Orphanet 145, MedGen C2675520, MONDO:0012933, OMIM 612555. Disease mechanism: loss of function.
Hereditary cancer-predisposing syndrome. Also called: Hereditary neoplastic syndrome; Neoplastic Syndromes, Hereditary; Hereditary Cancer Syndrome; Tumor predisposition. Identifiers: Orphanet 140162, MedGen C0027672, MeSH D009386, MONDO:0015356.

Submissions (4):

Myriad Genetics, Inc.
Classification: Likely benign for Breast-ovarian cancer, familial, susceptibility to, 2. Last evaluated: 2025-07-21. Review status: criteria provided, single submitter. Criteria: Myriad Autosomal Dominant, Autosomal Recessive and X-Linked Classification Criteria (2023). Collection method: clinical testing. Allele origin: unknown.
Comment: This variant is considered likely benign. This variant is strongly associated with less severe personal and family histories of cancer, typical for individuals without pathogenic variants in this gene [PMID: 25085752].

Labcorp Genetics (formerly Invitae), Labcorp
Classification: Uncertain significance for Hereditary breast ovarian cancer syndrome. Last evaluated: 2025-05-23. Review status: criteria provided, single submitter. Criteria: Invitae Variant Classification Sherloc (09022015). Collection method: clinical testing. Allele origin: germline.
Comment: This sequence change replaces lysine, which is basic and polar, with asparagine, which is neutral and polar, at codon 817 of the BRCA2 protein (p.Lys817Asn). This variant is not present in population databases (gnomAD no frequency). This variant has not been reported in the literature in individuals affected with BRCA2-related conditions. ClinVar contains an entry for this variant (Variation ID: 1170964). Invitae Evidence Modeling of protein sequence and biophysical properties (such as structural, functional, and spatial information, amino acid conservation, physicochemical variation, residue mobility, and thermodynamic stability) indicates that this missense variant is not expected to disrupt BRCA2 protein function with a negative predictive value of 95%. In summary, the available evidence is currently insufficient to determine the role of this variant in disease. Therefore, it has been classified as a Variant of Uncertain Significance.

University of Washington Department of Laboratory Medicine, University of Washington
Classification: Likely benign for Hereditary cancer-predisposing syndrome. Last evaluated: 2023-03-23. Review status: criteria provided, single submitter. Criteria: Dines et al. (Genet Med. 2020). Collection method: curation. Allele origin: germline.
Comment: Missense variant in a coldspot region where missense variants are very unlikely to be pathogenic (PMID:31911673).

BRCA2 exon 11 coldspot. Reclassification based on statistical prior probability.

Color Diagnostics, LLC DBA Color Health
Classification: Uncertain significance for Hereditary cancer-predisposing syndrome. Last evaluated: 2020-10-20. Review status: criteria provided, single submitter. Criteria: ACMG Guidelines, 2015. Collection method: clinical testing. Allele origin: germline.
Comment: This missense variant replaces lysine with asparagine at codon 817 of the BRCA2 protein. Computational prediction suggests that this variant may not impact protein structure and function (internally defined REVEL score threshold <= 0.5, PMID: 27666373). To our knowledge, functional studies have not been reported for this variant. This variant has not been reported in individuals affected with hereditary cancer in the literature. This variant has not been identified in the general population by the Genome Aggregation Database (gnomAD). The available evidence is insufficient to determine the role of this variant in disease conclusively. Therefore, this variant is classified as a Variant of Uncertain Significance.

Literature cited by the submitters: PubMed 25085752 (cited by Myriad Genetics, Inc.).

NM_000059.4(BRCA2):c.2451G>C (p.Lys817Asn)

Gene: BRCA2 (BRCA2 DNA repair associated; plus strand). Cytogenetic location: 13q13.1.
Variant type: single nucleotide variant.
Coding change: c.2451G>C on transcript NM_000059.4 (MANE Select); coding-DNA position 2451, G replaced by C.
Protein change: p.Lys817Asn; replaces lysine 817 with asparagine.
Molecular consequence: missense variant.
Genome position (GRCh38, 1-based): chr13:32,336,806, G>C. VCF-style: chr13-32336806-G-C. GRCh37 (hg19) VCF-style: chr13-32910943-G-C.
Other names: short protein forms K817N.
Identifiers: ClinVar variation 1170964 (VCV001170964.6), dbSNP rs767686668, ClinGen allele CA387772279.